The following is an entry in ClinVar:

ClinVar aggregate classification (germline): Uncertain significance (1 of 4 stars; one submission).

Conditions:
Malignant hyperthermia, susceptibility to, 1 (MHS1). Also called: Anesthesia related hyperthermia; Malignant hyperpyrexia; Fulminating hyperpyrexia; Pharmacogenic myopathy; RYR1-Related Malignant Hyperthermia Susceptibility; Malignant hyperthermia suceptibility 1. Identifiers: Orphanet 423, MedGen C2930980, MONDO:0007783, OMIM 145600.

Submission:

All of Us Research Program, National Institutes of Health
Classification: Uncertain significance for Malignant hyperthermia, susceptibility to, 1. Last evaluated: 2023-11-30. Review status: criteria provided, single submitter. Criteria: ACMG Guidelines, 2015. Collection method: clinical testing. Allele origin: germline. Inheritance: Autosomal dominant inheritance. Observed: 1 variant allele, 1 heterozygote.
Comment: This study involves interpretation of variants in research participants for the purpose of population health screening. Participant phenotype was not available at the time of variant classification. Additional details can be found in publication PMID: 35346344, PMCID: PMC8962531

NM_000540.3(RYR1):c.3532T>C (p.Phe1178Leu)

Gene: RYR1 (ryanodine receptor 1; plus strand). Cytogenetic location: 19q13.2.
Variant type: single nucleotide variant.
Coding change: c.3532T>C on transcript NM_000540.3 (MANE Select); coding-DNA position 3532, T replaced by C.
Protein change: p.Phe1178Leu; replaces phenylalanine 1178 with leucine.
Molecular consequence: missense variant.
Genome position (GRCh38, 1-based): chr19:38,469,116, T>C. VCF-style: chr19-38469116-T-C. GRCh37 (hg19) VCF-style: chr19-38959756-T-C.
Other names: c.3532T>C, p.Phe1178Leu (NM_001042723.2); short protein forms F1178L.
Identifiers: ClinVar variation 3073961 (VCV003073961.1), dbSNP rs2514114235, ClinGen allele CA405638837.